The following is an entry in ClinVar:

ClinVar aggregate classification (germline): Uncertain significance (1 of 4 stars; one submission).

Conditions:
Ehlers-Danlos syndrome, classic type, 1 (EDSCL1). Also called: EHLERS-DANLOS SYNDROME, GRAVIS TYPE; EHLERS-DANLOS SYNDROME, SEVERE CLASSIC TYPE; Ehlers-Danlos syndrome, type 1; Ehlers-Danlos Syndrome, Classic Type, COL5A1-Related; EDS I. Identifiers: MedGen C0268335, MONDO:0019567, OMIM 130000.

gnomAD v4.1: 11 of 1,603,840 alleles (0.00069%); highest among the groups gnomAD compares: African/African-American, 0.004%; no homozygotes.

Submission:

Labcorp Genetics (formerly Invitae), Labcorp
Classification: Uncertain significance for Ehlers-Danlos syndrome, classic type, 1. Last evaluated: 2026-01-26. Review status: criteria provided, single submitter. Criteria: Invitae Variant Classification Sherloc (09022015). Collection method: clinical testing. Allele origin: germline.
Comment: This sequence change replaces arginine, which is basic and polar, with histidine, which is basic and polar, at codon 1118 of the COL5A2 protein (p.Arg1118His). The frequency data for this variant in the population databases is considered unreliable, as metrics indicate poor data quality at this position in the gnomAD database. This variant has not been reported in the literature in individuals affected with COL5A2-related conditions. Invitae Evidence Modeling of protein sequence and biophysical properties (such as structural, functional, and spatial information, amino acid conservation, physicochemical variation, residue mobility, and thermodynamic stability) indicates that this missense variant is expected to disrupt COL5A2 protein function with a positive predictive value of 80%. In summary, the available evidence is currently insufficient to determine the role of this variant in disease. Therefore, it has been classified as a Variant of Uncertain Significance.

NM_000393.5(COL5A2):c.3353G>A (p.Arg1118His)

Gene: COL5A2 (collagen type V alpha 2 chain; minus strand). Cytogenetic location: 2q32.2.
Variant type: single nucleotide variant.
Coding change: c.3353G>A on transcript NM_000393.5 (MANE Select); coding-DNA position 3353, G replaced by A.
Protein change: p.Arg1118His; replaces arginine 1118 with histidine.
Molecular consequence: missense variant.
Genome position (GRCh38, 1-based): chr2:189,045,189, C>T on the plus strand (G>A on the coding strand, the complement: COL5A2 is on the minus strand). VCF-style: chr2-189045189-C-T. GRCh37 (hg19) VCF-style: chr2-189909915-C-T.
Other names: short protein forms R1118H.
Identifiers: ClinVar variation 4707932 (VCV004707932.1).